The following is an entry in ClinVar:

NM_001129.5(AEBP1):c.1981C>T (p.Arg661Cys)

Gene: AEBP1 (AE binding protein 1; plus strand). Cytogenetic location: 7p13.
Variant type: single nucleotide variant.
Coding change: c.1981C>T on transcript NM_001129.5 (MANE Select); coding-DNA position 1981, C replaced by T.
Protein change: p.Arg661Cys; replaces arginine 661 with cysteine.
Molecular consequence: missense variant.
Genome position (GRCh38, 1-based): chr7:44,111,994, C>T. VCF-style: chr7-44111994-C-T. GRCh37 (hg19) VCF-style: chr7-44151593-C-T.
Other names: short protein forms R661C.
Identifiers: ClinVar variation 1365995 (VCV001365995.6), dbSNP rs749678502, ClinGen allele CA367367544.

ClinVar aggregate classification (germline): Uncertain significance (1 of 4 stars; one submission).

Submission:

Labcorp Genetics (formerly Invitae), Labcorp
Classification: Uncertain significance. Last evaluated: 2021-07-05. Review status: criteria provided, single submitter. Criteria: Invitae Variant Classification Sherloc (09022015). Collection method: clinical testing. Allele origin: germline.
Comment: This sequence change replaces arginine with cysteine at codon 661 of the AEBP1 protein (p.Arg661Cys). The arginine residue is highly conserved and there is a large physicochemical difference between arginine and cysteine. This variant is not present in population databases (ExAC no frequency). This variant has not been reported in the literature in individuals affected with AEBP1-related conditions. Algorithms developed to predict the effect of missense changes on protein structure and function are either unavailable or do not agree on the potential impact of this missense change (SIFT: "Deleterious"; PolyPhen-2: "Probably Damaging"; Align-GVGD: "Class C15"). In summary, the available evidence is currently insufficient to determine the role of this variant in disease. Therefore, it has been classified as a Variant of Uncertain Significance.